The following is an entry in ClinVar:

NM_000090.4(COL3A1):c.1139A>G (p.Gln380Arg)

Gene: COL3A1 (collagen type III alpha 1 chain; plus strand). Cytogenetic location: 2q32.2.
Variant type: single nucleotide variant.
Coding change: c.1139A>G on transcript NM_000090.4 (MANE Select); coding-DNA position 1139, A replaced by G.
Protein change: p.Gln380Arg; replaces glutamine 380 with arginine.
Molecular consequence: missense variant.
Genome position (GRCh38, 1-based): chr2:188,993,449, A>G. VCF-style: chr2-188993449-A-G. GRCh37 (hg19) VCF-style: chr2-189858175-A-G.
Other names: p.Gln380Arg; short protein forms Q380R.
Identifiers: ClinVar variation 1031385 (VCV001031385.2), dbSNP rs1688231206, ClinGen allele CA349851062.

ClinVar aggregate classification (germline): Uncertain significance. Review status: criteria provided, multiple submitters, no conflicts (2 of 4 stars). 2 submissions from 2 submitters: Uncertain significance (2). Last evaluated 2025-09-04.

Conditions:
Ehlers-Danlos syndrome, type 4 (EDSVASC). Also called: Ehlers-Danlos syndrome vascular type; Ehlers Danlos syndrome, ecchymotic type; Ehlers Danlos syndrome, arterial type; Ehlers Danlos syndrome, Sack-Barabas type; Ehlers-Danlos Syndrome Type IV. Identifiers: Orphanet 286, MedGen C0268338, MONDO:0017314, OMIM 130050.

Submissions (2):

Mayo Clinic Laboratories, Mayo Clinic
Classification: Uncertain significance. Last evaluated: 2025-09-04. Review status: criteria provided, single submitter. Criteria: ACMG Guidelines, 2015. Collection method: clinical testing. Allele origin: germline. Observed: 1 variant allele.
Comment: BP4, PM2_supporting

Baylor Genetics
Classification: Uncertain significance for Ehlers-Danlos syndrome, type 4. Last evaluated: 2018-06-29. Review status: criteria provided, single submitter. Criteria: ACMG Guidelines, 2015. Collection method: clinical testing. Allele origin: maternal. Affected: yes.
Comment: This variant was determined to be of uncertain significance according to ACMG Guidelines, 2015 [PMID:25741868].